The following is an entry in ClinVar:

NM_144997.7(FLCN):c.1176+2T>A

Gene: FLCN (folliculin; minus strand). Cytogenetic location: 17p11.2.
Variant type: single nucleotide variant.
Coding change: c.1176+2T>A on transcript NM_144997.7 (MANE Select); the canonical splice donor site of the intron after coding-DNA position 1176, T replaced by A.
Molecular consequence: splice donor variant.
Genome position (GRCh38, 1-based): chr17:17,217,067, A>T on the plus strand (T>A on the coding strand, the complement: FLCN is on the minus strand). VCF-style: chr17-17217067-A-T. GRCh37 (hg19) VCF-style: chr17-17120381-A-T.
Other names: c.1176+2T>A (NM_001353231.2, NM_001353230.2); c.1230+2T>A (NM_001353229.2).
Identifiers: ClinVar variation 942580 (VCV000942580.8), dbSNP rs2046947920, ClinGen allele CA398532085.

ClinVar aggregate classification (germline): Likely pathogenic. Review status: criteria provided, multiple submitters, no conflicts (2 of 4 stars). 2 submissions from 2 submitters: Likely pathogenic (2). Last evaluated 2023-02-08.

Conditions:
Birt-Hogg-Dube syndrome. Also called: Birt Hogg Dubé syndrome. Identifiers: Orphanet 122, MedGen C0346010, MONDO:0800444.

Submissions (2):

Mayo Clinic Laboratories, Mayo Clinic
Classification: Likely pathogenic. Last evaluated: 2023-02-08. Review status: criteria provided, single submitter. Criteria: ACMG Guidelines, 2015. Collection method: clinical testing. Allele origin: germline. Observed: 1 variant allele.
Comment: PM2, PVS1_strong

Labcorp Genetics (formerly Invitae), Labcorp
Classification: Likely pathogenic for Birt-Hogg-Dube syndrome. Last evaluated: 2019-10-12. Review status: criteria provided, single submitter. Criteria: Invitae Variant Classification Sherloc (09022015). Collection method: clinical testing. Allele origin: germline.
Comment: This variant has not been reported in the literature in individuals with FLCN-related conditions. This sequence change affects a donor splice site in intron 10 of the FLCN gene. It is expected to disrupt RNA splicing and likely results in an absent or disrupted protein product. This variant is not present in population databases (ExAC no frequency). Donor and acceptor splice site variants typically lead to a loss of protein function (PMID: 16199547), and loss-of-function variants in FLCN are known to be pathogenic (PMID: 15852235). In summary, the currently available evidence indicates that the variant is pathogenic, but additional data are needed to prove that conclusively. Therefore, this variant has been classified as Likely Pathogenic.

Literature cited by the submitters: PubMed 17124507 (cited by Mayo Clinic Laboratories, Mayo Clinic); PubMed 16199547 (cited by Labcorp Genetics (formerly Invitae), Labcorp); PubMed 15852235 (cited by Labcorp Genetics (formerly Invitae), Labcorp).